The following is an entry in ClinVar:

ClinVar aggregate classification (germline): Pathogenic (1 of 4 stars; one submission).

Conditions:
Osteogenesis imperfecta type I (OI1). Also called: Lobstein's Disease; Lobstein disease; OI, TYPE I; OSTEOGENESIS IMPERFECTA TARDA; OSTEOGENESIS IMPERFECTA WITH BLUE SCLERAE; Osteogenesis imperfecta type 1. Identifiers: Orphanet 216796, Orphanet 666, MedGen C0023931, MONDO:0008146, OMIM 166200. Disease mechanism: loss of function.

Submission:

Labcorp Genetics (formerly Invitae), Labcorp
Classification: Pathogenic for Osteogenesis imperfecta type I. Last evaluated: 2024-01-04. Review status: criteria provided, single submitter. Criteria: Invitae Variant Classification Sherloc (09022015). Collection method: clinical testing. Allele origin: germline.
Comment: This sequence change creates a premature translational stop signal (p.Gly1082Trpfs*14) in the COL1A1 gene. It is expected to result in an absent or disrupted protein product. Loss-of-function variants in COL1A1 are known to be pathogenic (PMID: 7942841, 9295084, 9443882). This variant is not present in population databases (gnomAD no frequency). This variant has not been reported in the literature in individuals affected with COL1A1-related conditions. For these reasons, this variant has been classified as Pathogenic.

Literature cited by the submitters: PubMed 7942841; PubMed 9295084; PubMed 9443882.

NM_000088.4(COL1A1):c.3243dup (p.Gly1082fs)

Gene: COL1A1 (collagen type I alpha 1 chain; minus strand). Cytogenetic location: 17q21.33.
Variant type: Duplication.
Coding change: c.3243dup on transcript NM_000088.4 (MANE Select); coding-DNA position 3243, one base duplicated (T; older notation c.3243dupT).
Protein change: p.Gly1082fs; shifts the reading frame from glycine 1082.
Molecular consequence: frameshift variant.
Genome position (GRCh38, 1-based): chr17:50,188,114, A duplicated on the plus strand (T on the coding strand, the reverse complement: COL1A1 is on the minus strand); the first of 2 consecutive A bases (chr17:50,188,114-50,188,115); duplicating either gives the same sequence. VCF-style (leftmost placement, unchanged base first): chr17-50188113-C-CA. GRCh37 (hg19) VCF-style: chr17-48265474-C-CA.
Other names: short protein forms G1082fs.
Identifiers: ClinVar variation 2696327 (VCV002696327.3), dbSNP rs2509174225, ClinGen allele CA2697560251.